The following is an entry in ClinVar:

NM_001281740.3(FHOD3):c.1001C>T (p.Pro334Leu)

Gene: FHOD3 (formin homology 2 domain containing 3; plus strand). Cytogenetic location: 18q12.2.
Variant type: single nucleotide variant.
Coding change: c.1001C>T on transcript NM_001281740.3 (MANE Select); coding-DNA position 1001, C replaced by T.
Protein change: p.Pro334Leu; replaces proline 334 with leucine.
Molecular consequence: missense variant.
Genome position (GRCh38, 1-based): chr18:36,625,554, C>T. VCF-style: chr18-36625554-C-T. GRCh37 (hg19) VCF-style: chr18-34205517-C-T.
Other names: c.1001C>T, p.Pro334Leu (NM_001281739.3, NM_025135.5); short protein forms P334L.
Identifiers: ClinVar variation 3371938 (VCV003371938.1).
Genomic context (GRCh38, chr18:36,625,554, plus strand): 5'-GTGCTCTGCTTTTCCAGGTGGCGCTCAGGCACGAGGATGGCGATGAGACCACGGAGCCAC[C>T]CCCCAGTGGGTGCCGGGACCGGAGGAGGGCCAGCGTGTGTTCCAGTGGCGGAGGCGAGCA-3'
Protein context (NP_001268669.1, residues 324-344): HEDGDETTEP[Pro334Leu]PSGCRDRRRA

ClinVar aggregate classification (germline): Uncertain significance (1 of 4 stars; one submission).

gnomAD v4.1: 4 of 1,504,102 alleles (0.00027%); highest among the groups gnomAD compares: Non-Finnish European, 0.00036%; no homozygotes.

Submission:

GeneDx
Classification: Uncertain significance. Last evaluated: 2024-04-05. Review status: criteria provided, single submitter. Criteria: GeneDx Variant Classification Process June 2021. Collection method: clinical testing. Allele origin: germline. Affected: yes.
Comment: Not observed at significant frequency in large population cohorts (gnomAD); In silico analysis supports that this missense variant has a deleterious effect on protein structure/function; Has not been previously published as pathogenic or benign to our knowledge